The following is an entry in ClinVar:

ClinVar aggregate classification (germline): Conflicting classifications of pathogenicity. Review status: criteria provided, conflicting classifications (1 of 4 stars). 7 submissions from 7 submitters: Uncertain significance (6); Likely benign (1). Last evaluated 2025-10-17.

Conditions:
Familial hypercholesterolemia. Also called: Familial hypercholesterolemias; Familial hypercholesterolaemia. Identifiers: MedGen C0020445, MONDO:0005439.
Cardiovascular phenotype. Identifiers: MedGen CN230736.
Hypercholesterolemia, autosomal dominant, type B (FHCL2). Also called: APOB-Related Familial Hypercholesterolemia, Autosomal Dominant; Hyperlipoproteinemia Type IIb; Familial Hypercholesterolemia Type B; APOLIPOPROTEIN B-100, FAMILIAL DEFECTIVE; APOLIPOPROTEIN B-100, FAMILIAL LIGAND-DEFECTIVE; Familial hypercholesterolemia 2. Identifiers: MedGen C1704417, MONDO:0007751, OMIM 144010.
Familial hypobetalipoproteinemia 1. Also called: APOB-Related Familial Hypobetalipoproteinemia; Hypobetalipoproteinemia, normotriglyceridemic; Acanthocytosis with hypobetalipoproteinemia. Identifiers: MedGen C4551990, MONDO:0014252, OMIM 615558.

Allele frequency attached by ClinVar (database versions not stated): gnomAD exomes 0.00005; TOPMed 0.00005; gnomAD 0.00006 and 0.00007; ExAC 0.00007; ESP Exome Variant Server 0.00008; 1000 Genomes Project 30x 0.00031; 1000 Genomes Project 0.00040.
gnomAD v4.1: 66 of 1,613,886 alleles (0.0041%); highest among the groups gnomAD compares: Middle Eastern, 0.033%; 1 homozygote.

Submissions (7):

Labcorp Genetics (formerly Invitae), Labcorp
Classification: Likely benign for Familial hypobetalipoproteinemia 1; Hypercholesterolemia, autosomal dominant, type B. Last evaluated: 2025-10-17. Review status: criteria provided, single submitter. Criteria: Invitae Variant Classification Sherloc (09022015). Collection method: clinical testing. Allele origin: germline.

Cambridge Genomics Laboratory, East Genomic Laboratory Hub, NHS Genomic Medicine Service
Classification: Uncertain significance for Familial hypercholesterolaemia. Last evaluated: 2025-05-28. Review status: criteria provided, single submitter. Criteria: ACGS Best Practice Guidelines for Variant Classification in Rare Disease 2020. Collection method: clinical testing. Allele origin: germline. Affected: yes.
Comment: PM2,BP4

Revvity Omics, Revvity
Classification: Uncertain significance. Last evaluated: 2023-05-30. Review status: criteria provided, single submitter. Criteria: ACMG Guidelines, 2015. Collection method: clinical testing. Allele origin: germline.

New York Genome Center
Classification: Uncertain significance for Familial hypobetalipoproteinemia 1; Hypercholesterolemia, autosomal dominant, type B. Last evaluated: 2022-01-28. Review status: criteria provided, single submitter. Criteria: NYGC Assertion Criteria 2020. Collection method: clinical testing. Allele origin: germline. Observed: 1 variant allele.
Comment: The c.7094C>T (p.Ala2365Val) variant identified in the APOB gene substitutes a moderately conserved Alanine for Valine at amino acid 2365/4564(exon 26/29). This variant is found with low frequency in gnomAD(v3.1.2) (10 heterozygotes, 0 homozygotes; allele frequency: 6.575e-5) suggesting it is not a common benign variant in the populations represented in that database. In silico algorithms predict this variant to be Benign (REVEL; score:0.066) and Tolerated (SIFT;score:0.661) to the function of the canonical transcript. This variant is reported in ClinVar as a Variant of Uncertain Significance (VarID:630612), and to our current knowledge has not been reported in affected individuals in the literature. Given the lack of compelling evidence for its pathogenicity, the c.7094C>T (p.Ala2365Val) variant identified in the APOB gene is reported as a Variant of Uncertain Significance.

Fulgent Genetics
Classification: Uncertain significance for Hypercholesterolemia, autosomal dominant, type B; Familial hypobetalipoproteinemia 1. Last evaluated: 2021-08-27. Review status: criteria provided, single submitter. Criteria: ACMG Guidelines, 2015. Collection method: clinical testing. Allele origin: unknown.

Ambry Genetics
Classification: Uncertain significance for Cardiovascular phenotype. Last evaluated: 2019-08-13. Review status: criteria provided, single submitter. Criteria: Ambry Variant Classification Scheme 2023. Collection method: clinical testing. Allele origin: germline.
Comment: The p.A2365V variant (also known as c.7094C>T), located in coding exon 26 of the APOB gene, results from a C to T substitution at nucleotide position 7094. The alanine at codon 2365 is replaced by valine, an amino acid with similar properties. This amino acid position is not well conserved in available vertebrate species, and valine is the reference amino acid in other vertebrate species. In addition, this alteration is predicted to be tolerated by in silico analysis. Since supporting evidence is limited at this time, the clinical significance of this alteration remains unclear.

Quest Diagnostics Nichols Institute San Juan Capistrano
Classification: Uncertain significance. Last evaluated: 2019-05-07. Review status: criteria provided, single submitter. Criteria: Quest Diagnostics criteria. Collection method: clinical testing. Allele origin: unknown.

NM_000384.3(APOB):c.7094C>T (p.Ala2365Val)

Gene: APOB (apolipoprotein B; minus strand). Cytogenetic location: 2p24.1.
Variant type: single nucleotide variant.
Coding change: c.7094C>T on transcript NM_000384.3 (MANE Select); coding-DNA position 7094, C replaced by T.
Protein change: p.Ala2365Val; replaces alanine 2365 with valine.
Molecular consequence: missense variant.
Genome position (GRCh38, 1-based): chr2:21,009,774, G>A on the plus strand (C>T on the coding strand, the complement: APOB is on the minus strand). VCF-style: chr2-21009774-G-A. GRCh37 (hg19) VCF-style: chr2-21232646-G-A.
Other names: short protein forms A2365V.
Identifiers: ClinVar variation 630612 (VCV000630612.19), dbSNP rs200034452, ClinGen allele CA064060.